The following is an entry in ClinVar:

ClinVar aggregate classification (germline): Uncertain significance (1 of 4 stars; one submission).

gnomAD v4.1: 40 of 1,609,034 alleles (0.0025%); highest among the groups gnomAD compares: South Asian, 0.0089%; no homozygotes.

Submission:

Ambry Genetics
Classification: Uncertain significance. Last evaluated: 2025-01-16. Review status: criteria provided, single submitter. Criteria: Ambry Variant Classification Scheme 2023. Collection method: clinical testing. Allele origin: germline.
Comment: The c.38C>T (p.A13V) alteration is located in exon (coding exon ) of the MPPED1 gene. This alteration results from a C to T substitution at nucleotide position 38, causing the alanine (A) at amino acid position 13 to be replaced by a valine (V). Based on insufficient or conflicting evidence, the clinical significance of this alteration remains unclear.

NM_001044370.2(MPPED1):c.38C>T (p.Ala13Val)

Gene: MPPED1 (metallophosphoesterase domain containing 1; plus strand). Cytogenetic location: 22q13.2.
Variant type: single nucleotide variant.
Coding change: c.38C>T on transcript NM_001044370.2 (MANE Select); coding-DNA position 38, C replaced by T.
Protein change: p.Ala13Val; replaces alanine 13 with valine.
Molecular consequence: missense variant.
Genome position (GRCh38, 1-based): chr22:43,425,023, C>T. VCF-style: chr22-43425023-C-T. GRCh37 (hg19) VCF-style: chr22-43821029-C-T.
Other names: c.38C>T, p.Ala13Val (NM_001362786.2); short protein forms A13V.
Identifiers: ClinVar variation 3874232 (VCV003874232.1).